The following is an entry in ClinVar:

ClinVar aggregate classification (germline): Likely pathogenic (1 of 4 stars; one submission).

gnomAD v4.1: 1 of 1,552,080 alleles (0.000064%); no homozygotes.

Submission:

CeGaT Center for Human Genetics Tuebingen
Classification: Likely pathogenic. Last evaluated: 2023-08-01. Review status: criteria provided, single submitter. Criteria: CeGaT Center For Human Genetics Tuebingen Variant Classification Criteria Version 2. Collection method: clinical testing. Allele origin: germline. Affected: yes. Observed: 1 variant allele.
Comment: DNMT3A: PM2, PS2:Moderate, PP3, PP4

NM_022552.5(DNMT3A):c.1916T>C (p.Leu639Pro)

Gene: DNMT3A (DNA methyltransferase 3 alpha; minus strand). Cytogenetic location: 2p23.3.
Variant type: single nucleotide variant.
Coding change: c.1916T>C on transcript NM_022552.5 (MANE Select); coding-DNA position 1916, T replaced by C.
Protein change: p.Leu639Pro; replaces leucine 639 with proline.
Molecular consequence: missense variant. On other transcripts: non-coding transcript variant (1).
Genome position (GRCh38, 1-based): chr2:25,243,918, A>G on the plus strand (T>C on the coding strand, the complement: DNMT3A is on the minus strand). VCF-style: chr2-25243918-A-G. GRCh37 (hg19) VCF-style: chr2-25466787-A-G.
Other names: c.1460T>C, p.Leu487Pro (NM_001320893.1); c.1247T>C, p.Leu416Pro (NM_001375819.1); c.1349T>C, p.Leu450Pro (NM_153759.3); c.1916T>C, p.Leu639Pro (NM_175629.2); short protein forms L416P, L450P, L487P, L639P.
Identifiers: ClinVar variation 2578846 (VCV002578846.25), dbSNP rs1674381913, ClinGen allele CA346071496.
Genomic context (GRCh38, chr2:25,243,918, plus strand): 5'-GGACAAGGCGGCCAGCACCTCTTGGGCCTGCACCCCTCACCTGTAGCGATTCCATCAAAG[A>G]GAGACAGCACCCGGATGGGCTTCCTCTTCTCAGCTGGGACAGGTGGGTAAACCTTTGGAG-3'
Protein context (NP_072046.2, residues 629-649): EKRKPIRVLS[Leu639Pro]FDGIATGLLV